The following is an entry in ClinVar:

ClinVar aggregate classification (germline): Uncertain significance. Review status: criteria provided, multiple submitters, no conflicts (2 of 4 stars). 2 submissions from 2 submitters: Uncertain significance (2). Last evaluated 2025-11-17.

Conditions:
Developmental and epileptic encephalopathy 94 (DEE94). Also called: CHD2-Related Neurodevelopmental Disorders; Epileptic encephalopathy, childhood-onset. Identifiers: Orphanet 1942, Orphanet 2382, MedGen C3809278, MONDO:0014150, OMIM 615369.

Submissions (2):

GeneDx
Classification: Uncertain significance. Last evaluated: 2025-11-17. Review status: criteria provided, single submitter. Criteria: GeneDx Variant Classification Process June 2021. Collection method: clinical testing. Allele origin: germline.
Comment: Not observed at significant frequency in large population cohorts (gnomAD); In silico analysis supports that this missense variant has a deleterious effect on protein structure/function; Has not been previously published as pathogenic or benign to our knowledge

Labcorp Genetics (formerly Invitae), Labcorp
Classification: Uncertain significance for Developmental and epileptic encephalopathy 94. Last evaluated: 2022-08-29. Review status: criteria provided, single submitter. Criteria: Invitae Variant Classification Sherloc (09022015). Collection method: clinical testing. Allele origin: germline.
Comment: This variant has not been reported in the literature in individuals affected with CHD2-related conditions. Advanced modeling of protein sequence and biophysical properties (such as structural, functional, and spatial information, amino acid conservation, physicochemical variation, residue mobility, and thermodynamic stability) performed at Invitae indicates that this missense variant is not expected to disrupt CHD2 protein function. In summary, the available evidence is currently insufficient to determine the role of this variant in disease. Therefore, it has been classified as a Variant of Uncertain Significance. This variant is not present in population databases (gnomAD no frequency). This sequence change replaces leucine, which is neutral and non-polar, with phenylalanine, which is neutral and non-polar, at codon 1292 of the CHD2 protein (p.Leu1292Phe).

NM_001271.4(CHD2):c.3876A>T (p.Leu1292Phe)

Gene: CHD2 (chromodomain helicase DNA binding protein 2; plus strand). Cytogenetic location: 15q26.1.
Variant type: single nucleotide variant.
Coding change: c.3876A>T on transcript NM_001271.4 (MANE Select); coding-DNA position 3876, A replaced by T.
Protein change: p.Leu1292Phe; replaces leucine 1292 with phenylalanine.
Molecular consequence: missense variant.
Genome position (GRCh38, 1-based): chr15:92,997,394, A>T. VCF-style: chr15-92997394-A-T. GRCh37 (hg19) VCF-style: chr15-93540624-A-T.
Other names: c.3876A>T (NM_001271.3); short protein forms L1292F.
Identifiers: ClinVar variation 1718289 (VCV001718289.8), dbSNP rs2505590950, ClinGen allele CA393898820.